The following is an entry in ClinVar:

NM_000051.4(ATM):c.9045G>C (p.Glu3015Asp)

Genes: ATM (ATM serine/threonine kinase; plus strand), C11orf65 (chromosome 11 open reading frame 65; minus strand). Cytogenetic location: 11q22.3.
Variant type: single nucleotide variant.
Coding change: c.9045G>C on transcript NM_000051.4 (MANE Select); coding-DNA position 9045, G replaced by C.
Protein change: p.Glu3015Asp; replaces glutamic acid 3015 with aspartic acid.
Molecular consequence: missense variant. On other transcripts: intron variant (2).
Genome position (GRCh38, 1-based): chr11:108,365,382, G>C. VCF-style: chr11-108365382-G-C. GRCh37 (hg19) VCF-style: chr11-108236109-G-C.
Other names: c.9045G>C, p.Glu3015Asp (NM_001351834.2); c.640+20538C>G (NM_001330368.2); c.694+20538C>G (NM_001351110.2); short protein forms E3015D.
Identifiers: ClinVar variation 1392565 (VCV001392565.8), dbSNP rs786203336, ClinGen allele CA382531427.
Genomic context (GRCh38, chr11:108,365,382, plus strand): 5'-TAGTGATATTGACCAGAGTTTCAACAAAGTAGCTGAACGTGTCTTAATGAGACTACAAGA[G>C]AAACTGAAAGGAGTGGAAGAAGGCACTGTGCTCAGTGTTGGTGGACAAGTGAATTTGCTC-3'
Protein context (NP_000042.3, residues 3005-3025): VAERVLMRLQ[Glu3015Asp]KLKGVEEGTV

ClinVar aggregate classification (germline): Conflicting classifications of pathogenicity. Review status: criteria provided, conflicting classifications (1 of 4 stars). 2 submissions from 2 submitters: Uncertain significance (1); Likely benign (1). Last evaluated 2024-05-29.

Conditions:
Ataxia-telangiectasia syndrome (AT). Also called: Ataxia-telangiectasia; LOUIS-BAR SYNDROME; Ataxia-telangiectasia, complementation group D; AT, COMPLEMENTATION GROUP C; ATAXIA-TELANGIECTASIA, COMPLEMENTATION GROUP A; ATAXIA-TELANGIECTASIA, FRESNO VARIANT. Identifiers: Orphanet 100, MedGen C0004135, MONDO:0008840, OMIM 208900.
Hereditary cancer-predisposing syndrome. Also called: Tumor predisposition; Neoplastic Syndromes, Hereditary; Hereditary Cancer Syndrome; Hereditary neoplastic syndrome. Identifiers: Orphanet 140162, MedGen C0027672, MeSH D009386, MONDO:0015356.

Submissions (2):

Labcorp Genetics (formerly Invitae), Labcorp
Classification: Uncertain significance for Ataxia-telangiectasia syndrome. Last evaluated: 2024-05-29. Review status: criteria provided, single submitter. Criteria: Invitae Variant Classification Sherloc (09022015). Collection method: clinical testing. Allele origin: germline.
Comment: This sequence change replaces glutamic acid, which is acidic and polar, with aspartic acid, which is acidic and polar, at codon 3015 of the ATM protein (p.Glu3015Asp). This variant is not present in population databases (gnomAD no frequency). This variant has not been reported in the literature in individuals affected with ATM-related conditions. ClinVar contains an entry for this variant (Variation ID: 1392565). An algorithm developed to predict the effect of missense changes on protein structure and function (PolyPhen-2) suggests that this variant is likely to be tolerated. In summary, the available evidence is currently insufficient to determine the role of this variant in disease. Therefore, it has been classified as a Variant of Uncertain Significance.

Ambry Genetics
Classification: Likely benign for Hereditary cancer-predisposing syndrome. Last evaluated: 2024-05-28. Review status: criteria provided, single submitter. Criteria: Ambry Variant Classification Scheme 2023. Collection method: clinical testing. Allele origin: germline.

Literature cited by the submitters: PubMed 32832836 (cited by Ambry Genetics).